The following is an entry in ClinVar:

ClinVar aggregate classification (germline): Likely benign. Review status: criteria provided, multiple submitters, no conflicts (2 of 4 stars). 4 submissions from 4 submitters: Likely benign (3). 1 of the submissions does not count toward it. Last evaluated 2026-01-26.

Conditions:
LCA5-related disorder. Also called: LCA5-related condition.
Leber congenital amaurosis 5 (LCA5). Also called: Amaurosis congenita of Leber, type 5. Identifiers: Orphanet 65, MedGen C1858301, MONDO:0011473, OMIM 604537.

Allele frequency attached by ClinVar (database versions not stated): gnomAD below 0.00001 and 0.00005; TOPMed 0.00001; gnomAD exomes 0.00007 and 0.00014; 1000 Genomes Project 30x 0.00016; ExAC 0.00018; 1000 Genomes Project 0.00020.
gnomAD v4.1: 105 of 1,613,466 alleles (0.0065%); highest among the groups gnomAD compares: South Asian, 0.11%; 1 homozygote.

Submissions (4):

Labcorp Genetics (formerly Invitae), Labcorp
Classification: Likely benign. Last evaluated: 2026-01-26. Review status: criteria provided, single submitter. Criteria: Invitae Variant Classification Sherloc (09022015). Collection method: clinical testing. Allele origin: germline.

PreventionGenetics, part of Exact Sciences
Classification: Likely benign for LCA5-related condition. Last evaluated: 2025-12-21. Review status: criteria provided, single submitter. Criteria: ACMG Guidelines, 2015. Collection method: clinical testing. Allele origin: germline.
Comment: This variant is classified as likely benign based on ACMG/AMP sequence variant interpretation guidelines (Richards et al. 2015 PMID: 25741868, with internal and published modifications).

Blueprint Genetics
Classification: Likely benign. Last evaluated: 2024-07-02. Review status: criteria provided, single submitter. Criteria: ACMG Guidelines, 2015. Collection method: clinical testing. Allele origin: germline.

Natera, Inc.
Classification: Likely benign for Leber congenital amaurosis type 5. Last evaluated: 2020-02-05. Review status: no assertion criteria provided. Collection method: clinical testing. Allele origin: germline. Not counted in ClinVar's aggregate classification.

NM_001122769.3(LCA5):c.759C>T (p.Phe253=)

Gene: LCA5 (lebercilin LCA5; minus strand). Cytogenetic location: 6q14.1.
Variant type: single nucleotide variant.
Coding change: c.759C>T on transcript NM_001122769.3 (MANE Select); coding-DNA position 759, C replaced by T.
Protein change: p.Phe253=; no amino-acid change (phenylalanine 253 retained).
Molecular consequence: synonymous variant.
Genome position (GRCh38, 1-based): chr6:79,493,712, G>A on the plus strand (C>T on the coding strand, the complement: LCA5 is on the minus strand). VCF-style: chr6-79493712-G-A. GRCh37 (hg19) VCF-style: chr6-80203429-G-A.
Other names: c.759C>T, p.Phe253= (NM_181714.4).
Identifiers: ClinVar variation 741980 (VCV000741980.14), dbSNP rs528612334, ClinGen allele CA3901030.